The following is an entry in ClinVar:

NM_006268.5(DPF2):c.301+3A>G

Gene: DPF2 (double PHD fingers 2; plus strand). Cytogenetic location: 11q13.1.
Variant type: single nucleotide variant.
Coding change: c.301+3A>G on transcript NM_006268.5 (MANE Select); 3 bases into the intron after coding-DNA position 301, A replaced by G.
Molecular consequence: intron variant.
Genome position (GRCh38, 1-based): chr11:65,341,076, A>G. VCF-style: chr11-65341076-A-G. GRCh37 (hg19) VCF-style: chr11-65108547-A-G.
Other names: c.301+3A>G (NM_001330308.2).
Identifiers: ClinVar variation 1530606 (VCV001530606.38), dbSNP rs2307267, ClinGen allele CA6095224.

ClinVar aggregate classification (germline): Benign. Review status: criteria provided, multiple submitters, no conflicts (2 of 4 stars). 2 submissions from 2 submitters: Benign (2). Last evaluated 2026-07-01.

Allele frequency attached by ClinVar (database versions not stated): 1000 Genomes Project 30x 0.00344; 1000 Genomes Project 0.00419; TOPMed 0.00756; ESP Exome Variant Server 0.00893; gnomAD 0.00976 and 0.01015; gnomAD exomes 0.01005 and 0.01144; ExAC 0.01031.
gnomAD v4.1: 18,080 of 1,613,944 alleles (1.1%); highest among the groups gnomAD compares: Non-Finnish European, 1.3%; 161 homozygotes.

Submissions (2):

CeGaT Center for Human Genetics Tuebingen
Classification: Benign. Last evaluated: 2026-07-01. Review status: criteria provided, single submitter. Criteria: CeGaT Center For Human Genetics Tuebingen Variant Classification Criteria Version 2. Collection method: clinical testing. Allele origin: germline. Affected: yes. Observed: 42 variant alleles.
Comment: DPF2: BP4, BS1, BS2

Labcorp Genetics (formerly Invitae), Labcorp
Classification: Benign. Last evaluated: 2026-02-03. Review status: criteria provided, single submitter. Criteria: Invitae Variant Classification Sherloc (09022015). Collection method: clinical testing. Allele origin: germline.